The following is an entry in ClinVar:

ClinVar aggregate classification (germline): Pathogenic/Likely pathogenic. Review status: criteria provided, multiple submitters, no conflicts (2 of 4 stars). 2 submissions from 2 submitters: Pathogenic (1); Likely pathogenic (1). Last evaluated 2026-01-24.

Conditions:
Prolidase deficiency. Identifiers: Orphanet 742, MedGen C0268532, MONDO:0008221, OMIM 170100.

Allele frequency attached by ClinVar (database versions not stated): gnomAD 0.00003.

Submissions (2):

Labcorp Genetics (formerly Invitae), Labcorp
Classification: Pathogenic. Last evaluated: 2026-01-24. Review status: criteria provided, single submitter. Criteria: Invitae Variant Classification Sherloc (09022015). Collection method: clinical testing. Allele origin: germline.
Comment: This sequence change affects the initiator codon of the PEPD mRNA. This change may impact translation initiation or efficiency. The next in-frame methionine is located at codon 108. This variant is present in population databases (no rsID available, gnomAD 0.02%). This variant has not been reported in the literature in individuals affected with PEPD-related conditions. ClinVar contains an entry for this variant (Variation ID: 1414673). This variant disrupts a region of the PEPD protein in which other variant(s) (p.Arg27Trp) have been determined to be pathogenic (internal data). This suggests that this is a clinically significant region of the protein, and that variants that disrupt it are likely to be disease-causing. For these reasons, this variant has been classified as Pathogenic.

Fulgent Genetics
Classification: Likely pathogenic for Prolidase deficiency. Last evaluated: 2024-02-06. Review status: criteria provided, single submitter. Criteria: ACMG Guidelines, 2015. Collection method: clinical testing. Allele origin: germline.

NM_000285.4(PEPD):c.2T>C (p.Met1Thr)

Gene: PEPD (peptidase D; minus strand). Cytogenetic location: 19q13.11.
Variant type: single nucleotide variant.
Coding change: c.2T>C on transcript NM_000285.4 (MANE Select); coding-DNA position 2, T replaced by C.
Protein change: p.Met1Thr; changes the start codon (methionine 1).
Molecular consequence: missense variant, initiator codon variant.
Genome position (GRCh38, 1-based): chr19:33,521,759, A>G on the plus strand (T>C on the coding strand, the complement: PEPD is on the minus strand). VCF-style: chr19-33521759-A-G. GRCh37 (hg19) VCF-style: chr19-34012665-A-G.
Other names: c.2T>C, p.Met1Thr (NM_001166056.2, NM_001166057.2); short protein forms M1T.
Identifiers: ClinVar variation 1414673 (VCV001414673.9), dbSNP rs764650519, ClinGen allele CA307575520.